The following is an entry in ClinVar:

NM_024646.3(ZYG11B):c.1696-5dup

Gene: ZYG11B (zyg-11 family member B, cell cycle regulator; plus strand). Cytogenetic location: 1p32.3.
Variant type: Duplication.
Coding change: c.1696-5dup on transcript NM_024646.3 (MANE Select); 5 bases into the intron before coding-DNA position 1696, one base duplicated (T; older notation c.1696-5dupT).
Molecular consequence: intron variant.
Genome position (GRCh38, 1-based): chr1:52,813,531, T duplicated; the last of 10 consecutive T bases (chr1:52,813,522-52,813,531); duplicating any one gives the same sequence. VCF-style (leftmost placement, unchanged base first): chr1-52813521-C-CT. GRCh37 (hg19) VCF-style: chr1-53279193-C-CT.
Identifiers: ClinVar variation 3060468 (VCV003060468.2), dbSNP rs760756606, ClinGen allele CA856173.
Genomic context (GRCh38, chr1:52,813,521, plus strand): 5'-GGGCCTAAAAACAGTTATCTTAACCATTTACTATACATATTACATTAATTTTTATATTTT[C>CT]TTTTTTTTTTCCAGAACAATATAGCTGAAGTACAAGAATTACATTCTGAATTAATGTGGA-3'

ClinVar aggregate classification (germline): Likely benign (0 of 4 stars; one submission).

Conditions:
ZYG11B-related disorder. Also called: ZYG11B-related condition.

Submission:

PreventionGenetics, part of Exact Sciences
Classification: Likely benign for ZYG11B-related condition. Last evaluated: 2022-08-03. Review status: no assertion criteria provided. Collection method: clinical testing. Allele origin: germline.
Comment: This variant is classified as likely benign based on ACMG/AMP sequence variant interpretation guidelines (Richards et al. 2015 PMID: 25741868, with internal and published modifications).